The following is an entry in ClinVar:

ClinVar aggregate classification (germline): Uncertain significance. Review status: criteria provided, multiple submitters, no conflicts (2 of 4 stars). 3 submissions from 3 submitters: Uncertain significance (3). Last evaluated 2024-02-10.

Conditions:
Fanconi anemia complementation group O. Also called: RAD51C-Related Fanconi Anemia. Identifiers: Orphanet 84, MedGen C3150653, MONDO:0013248, OMIM 613390.
Hereditary cancer-predisposing syndrome. Also called: Tumor predisposition; Neoplastic Syndromes, Hereditary; Hereditary Cancer Syndrome; Hereditary neoplastic syndrome. Identifiers: Orphanet 140162, MedGen C0027672, MeSH D009386, MONDO:0015356.

Allele frequency attached by ClinVar (database versions not stated): gnomAD exomes below 0.00001; gnomAD 0.00001.
gnomAD v4.1: 5 of 1,613,174 alleles (0.00031%); highest among the groups gnomAD compares: Non-Finnish European, 0.00042%; no homozygotes.

Submissions (3):

Ambry Genetics
Classification: Uncertain significance for Hereditary cancer-predisposing syndrome. Last evaluated: 2024-02-10. Review status: criteria provided, single submitter. Criteria: Ambry Variant Classification Scheme 2023. Collection method: clinical testing. Allele origin: germline.
Comment: The p.K328E variant (also known as c.982A>G), located in coding exon 8 of the RAD51C gene, results from an A to G substitution at nucleotide position 982. The lysine at codon 328 is replaced by glutamic acid, an amino acid with similar properties. This amino acid position is highly conserved in available vertebrate species. In addition, the in silico prediction for this alteration is inconclusive. Since supporting evidence is limited at this time, the clinical significance of this alteration remains unclear.

Color Diagnostics, LLC DBA Color Health
Classification: Uncertain significance for Hereditary cancer-predisposing syndrome. Last evaluated: 2023-12-05. Review status: criteria provided, single submitter. Criteria: ACMG Guidelines, 2015. Collection method: clinical testing. Allele origin: germline.
Comment: This missense variant replaces lysine with glutamic acid at codon 328 of the RAD51C protein. Computational prediction suggests that this variant may have deleterious impact on protein structure and function (internally defined REVEL score threshold >= 0.7, PMID: 27666373). To our knowledge, functional studies have not been reported for this variant. This variant has not been reported in individuals affected with RAD51C-related disorders in the literature. This variant has not been identified in the general population by the Genome Aggregation Database (gnomAD). The available evidence is insufficient to determine the role of this variant in disease conclusively. Therefore, this variant is classified as a Variant of Uncertain Significance.

Labcorp Genetics (formerly Invitae), Labcorp
Classification: Uncertain significance for Fanconi anemia complementation group O. Last evaluated: 2022-11-12. Review status: criteria provided, single submitter. Criteria: Invitae Variant Classification Sherloc (09022015). Collection method: clinical testing. Allele origin: germline.
Comment: This variant has not been reported in the literature in individuals affected with RAD51C-related conditions. ClinVar contains an entry for this variant (Variation ID: 492403). Advanced modeling of protein sequence and biophysical properties (such as structural, functional, and spatial information, amino acid conservation, physicochemical variation, residue mobility, and thermodynamic stability) performed at Invitae indicates that this missense variant is expected to disrupt RAD51C protein function. In summary, the available evidence is currently insufficient to determine the role of this variant in disease. Therefore, it has been classified as a Variant of Uncertain Significance. This variant is not present in population databases (gnomAD no frequency). This sequence change replaces lysine, which is basic and polar, with glutamic acid, which is acidic and polar, at codon 328 of the RAD51C protein (p.Lys328Glu).

NM_058216.3(RAD51C):c.982A>G (p.Lys328Glu)

Gene: RAD51C (RAD51 paralog C; plus strand). Cytogenetic location: 17q22.
Variant type: single nucleotide variant.
Coding change: c.982A>G on transcript NM_058216.3 (MANE Select); coding-DNA position 982, A replaced by G.
Protein change: p.Lys328Glu; replaces lysine 328 with glutamic acid.
Molecular consequence: missense variant. On other transcripts: non-coding transcript variant (1).
Genome position (GRCh38, 1-based): chr17:58,732,500, A>G. VCF-style: chr17-58732500-A-G. GRCh37 (hg19) VCF-style: chr17-56809861-A-G.
Other names: short protein forms K328E.
Identifiers: ClinVar variation 492403 (VCV000492403.18), dbSNP rs1555605064, ClinGen allele CA400364912.